The following is an entry in ClinVar:

NM_000548.5(TSC2):c.3811A>T (p.Thr1271Ser)

Gene: TSC2 (TSC complex subunit 2; plus strand). Cytogenetic location: 16p13.3.
Variant type: single nucleotide variant.
Coding change: c.3811A>T on transcript NM_000548.5 (MANE Select); coding-DNA position 3811, A replaced by T.
Protein change: p.Thr1271Ser; replaces threonine 1271 with serine.
Molecular consequence: missense variant. On other transcripts: non-coding transcript variant (5).
Genome position (GRCh38, 1-based): chr16:2,081,795, A>T. VCF-style: chr16-2081795-A-T. GRCh37 (hg19) VCF-style: chr16-2131796-A-T.
Other names: c.3679A>T, p.Thr1227Ser (NM_001077183.3, NM_001370404.1, NM_001406665.1); c.3811A>T, p.Thr1271Ser (NM_001114382.3); c.3772A>T, p.Thr1258Ser (NM_001406667.1); c.3664A>T, p.Thr1222Ser (NM_001406675.1); c.3670A>T, p.Thr1224Ser (NM_001406671.1); c.3667A>T, p.Thr1223Ser (NM_001406673.1); c.3769A>T, p.Thr1257Ser (NM_001406668.1); c.3661A>T, p.Thr1221Ser (NM_001406676.1); and 18 more; short protein forms T1070S, T1071S, T1179S, T1228S, T1238S, T1221S, T1223S, T1224S.
Identifiers: ClinVar variation 4192161 (VCV004192161.1).

ClinVar aggregate classification (germline): Uncertain significance (1 of 4 stars; one submission).

Conditions:
Hereditary cancer-predisposing syndrome. Also called: Neoplastic Syndromes, Hereditary; Tumor predisposition; Hereditary Cancer Syndrome; Hereditary neoplastic syndrome. Identifiers: Orphanet 140162, MedGen C0027672, MeSH D009386, MONDO:0015356.

Submission:

Ambry Genetics
Classification: Uncertain significance for Hereditary cancer-predisposing syndrome. Last evaluated: 2025-07-18. Review status: criteria provided, single submitter. Criteria: Ambry Variant Classification Scheme 2023. Collection method: clinical testing. Allele origin: germline.
Comment: The p.T1271S variant (also known as c.3811A>T), located in coding exon 30 of the TSC2 gene, results from an A to T substitution at nucleotide position 3811. The threonine at codon 1271 is replaced by serine, an amino acid with similar properties. This amino acid position is conserved. In addition, the in silico prediction for this alteration is inconclusive. Based on the available evidence, the clinical significance of this variant remains unclear.